The following is an entry in ClinVar:

NM_007363.5(NONO):c.1165A>G (p.Met389Val)

Gene: NONO (non-POU domain containing octamer binding; plus strand). Cytogenetic location: Xq13.1.
Variant type: single nucleotide variant.
Coding change: c.1165A>G on transcript NM_007363.5 (MANE Select); coding-DNA position 1165, A replaced by G.
Protein change: p.Met389Val; replaces methionine 389 with valine.
Molecular consequence: missense variant.
Genome position (GRCh38, 1-based): chrX:71,298,502, A>G. VCF-style: chrX-71298502-A-G. GRCh37 (hg19) VCF-style: chrX-70518352-A-G.
Other names: c.1165A>G, p.Met389Val (NM_001145408.2, NM_001145409.2); c.898A>G, p.Met300Val (NM_001145410.2); short protein forms M389V, M300V.
Identifiers: ClinVar variation 4763494 (VCV004763494.1).
Genomic context (GRCh38, chrX:71,298,502, plus strand): 5'-CTGTCTTGAGTATTTTTTGTTTTTCAGAGAGAGCAGGAGATTCGGATGGGTCAGATGGCT[A>G]TGGGAGGTAAGGACTTAGGAGGTTAATGGCTCTGATTTCCTTTTTTGTTTGGTCTTGGGT-3'
Protein context (NP_031389.3, residues 379-399): EQEIRMGQMA[Met389Val]GGAMGINNRG

ClinVar aggregate classification (germline): Uncertain significance (1 of 4 stars; one submission).

gnomAD v4.1: 1 of 1,208,589 alleles (0.000083%); no homozygotes.

Submission:

Labcorp Genetics (formerly Invitae), Labcorp
Classification: Uncertain significance. Last evaluated: 2025-10-12. Review status: criteria provided, single submitter. Criteria: Invitae Variant Classification Sherloc (09022015). Collection method: clinical testing. Allele origin: germline.
Comment: This sequence change replaces methionine, which is neutral and non-polar, with valine, which is neutral and non-polar, at codon 389 of the NONO protein (p.Met389Val). This variant is present in population databases (rs766316529, gnomAD 0.006%). This variant has not been reported in the literature in individuals affected with NONO-related conditions. Invitae Evidence Modeling of protein sequence and biophysical properties (such as structural, functional, and spatial information, amino acid conservation, physicochemical variation, residue mobility, and thermodynamic stability) indicates that this missense variant is not expected to disrupt NONO protein function with a negative predictive value of 80%. In summary, the available evidence is currently insufficient to determine the role of this variant in disease. Therefore, it has been classified as a Variant of Uncertain Significance.